The following is an entry in ClinVar:

ClinVar aggregate classification (germline): Uncertain significance (1 of 4 stars; one submission).

Submission:

GeneDx
Classification: Uncertain significance. Last evaluated: 2024-02-05. Review status: criteria provided, single submitter. Criteria: GeneDx Variant Classification Process June 2021. Collection method: clinical testing. Allele origin: germline. Affected: yes.
Comment: Nonsense variant predicted to result in protein truncation or nonsense mediated decay in a gene or region of a gene for which loss of function is not a well-established mechanism of disease; Not observed at significant frequency in large population cohorts (gnomAD); Has not been previously published as pathogenic or benign to our knowledge

NM_007325.5(GRIA3):c.1470G>A (p.Trp490Ter)

Gene: GRIA3 (glutamate ionotropic receptor AMPA type subunit 3; plus strand). Cytogenetic location: Xq25.
Variant type: single nucleotide variant.
Coding change: c.1470G>A on transcript NM_007325.5 (MANE Select); coding-DNA position 1470, G replaced by A.
Protein change: p.Trp490Ter; replaces tryptophan 490 with a stop codon.
Molecular consequence: nonsense.
Genome position (GRCh38, 1-based): chrX:123,404,884, G>A. VCF-style: chrX-123404884-G-A. GRCh37 (hg19) VCF-style: chrX-122538735-G-A.
Other names: c.1470G>A, p.Trp490Ter (NM_000828.5); short protein forms W490*.
Identifiers: ClinVar variation 3368773 (VCV003368773.1).